The following is an entry in ClinVar:

NM_002047.4(GARS1):c.1032-23A>T

Gene: GARS1 (glycyl-tRNA synthetase 1; plus strand). Cytogenetic location: 7p14.3.
Variant type: single nucleotide variant.
Coding change: c.1032-23A>T on transcript NM_002047.4 (MANE Select); 23 bases into the intron before coding-DNA position 1032, A replaced by T.
Molecular consequence: intron variant.
Genome position (GRCh38, 1-based): chr7:30,615,873, A>T. VCF-style: chr7-30615873-A-T. GRCh37 (hg19) VCF-style: chr7-30655489-A-T.
Other names: c.1032-23A>T (LRG_243t1); c.870-23A>T (NM_001316772.1).
Identifiers: ClinVar variation 258531 (VCV000258531.2), dbSNP rs2527878, ClinGen allele CA4205881.

ClinVar aggregate classification (germline): Benign. Review status: criteria provided, multiple submitters, no conflicts (2 of 4 stars). 2 submissions from 2 submitters: Benign (2). Last evaluated 2018-06-14.

Allele frequency attached by ClinVar (database versions not stated): ESP Exome Variant Server 0.09496; gnomAD 0.09645 and 0.10120; gnomAD exomes 0.09646 and 0.10705; TOPMed 0.10481; ExAC 0.10986; 1000 Genomes Project 0.13998; 1000 Genomes Project 30x 0.14132.
gnomAD v4.1: 157,029 of 1,613,316 alleles (9.7%); highest among the groups gnomAD compares: East Asian, 19%; 8,823 homozygotes.

Submissions (2):

GeneDx
Classification: Benign. Last evaluated: 2018-06-14. Review status: criteria provided, single submitter. Criteria: GeneDx Variant Classification (06012015). Collection method: clinical testing. Allele origin: germline. Affected: yes.
Comment: This variant is considered likely benign or benign based on one or more of the following criteria: it is a conservative change, it occurs at a poorly conserved position in the protein, it is predicted to be benign by multiple in silico algorithms, and/or has population frequency not consistent with disease.

PreventionGenetics, part of Exact Sciences
Classification: Benign. Review status: criteria provided, single submitter. Criteria: ACMG Guidelines, 2015. Collection method: clinical testing. Allele origin: germline.